The following is an entry in ClinVar:

ClinVar aggregate classification (germline): Likely benign (1 of 4 stars; one submission).

Allele frequency attached by ClinVar (database versions not stated): ExAC 0.00001.

Submission:

CeGaT Center for Human Genetics Tuebingen
Classification: Likely benign. Last evaluated: 2023-03-01. Review status: criteria provided, single submitter. Criteria: CeGaT Center For Human Genetics Tuebingen Variant Classification Criteria Version 2. Collection method: clinical testing. Allele origin: germline. Affected: yes. Observed: 1 variant allele.
Comment: PRKACG: BP4, BP7

NM_002732.4(PRKACG):c.808C>T (p.Leu270=)

Gene: PRKACG (protein kinase cAMP-activated catalytic subunit gamma; minus strand). Cytogenetic location: 9q21.11.
Variant type: single nucleotide variant.
Coding change: c.808C>T on transcript NM_002732.4 (MANE Select); coding-DNA position 808, C replaced by T.
Protein change: p.Leu270=; no amino-acid change (leucine 270 retained).
Molecular consequence: synonymous variant.
Genome position (GRCh38, 1-based): chr9:69,013,285, G>A on the plus strand (C>T on the coding strand, the complement: PRKACG is on the minus strand). VCF-style: chr9-69013285-G-A. GRCh37 (hg19) VCF-style: chr9-71628201-G-A.
Identifiers: ClinVar variation 2659237 (VCV002659237.24), dbSNP rs754667621, ClinGen allele CA5072432.